The following is an entry in ClinVar:

ClinVar aggregate classification (germline): Conflicting classifications of pathogenicity. Review status: criteria provided, conflicting classifications (1 of 4 stars). 8 submissions from 8 submitters: Likely pathogenic (4); Uncertain significance (1). 3 of the submissions do not count toward it. Last evaluated 2024-07-10.

Conditions:
Charcot-Marie-Tooth disease. Also called: Charcot-Marie-Tooth Neuropathy; Charcot-Marie-Tooth Hereditary Neuropathy. Identifiers: Orphanet 166, MedGen C0007959, MONDO:0015626.
Agenesis of the corpus callosum with peripheral neuropathy (ACCPN). Also called: Hereditary Motor and Sensory Neuropathy with Agenesis of the Corpus Callosum; POLYNEUROPATHY, SENSORIMOTOR, WITH OR WITHOUT AGENESIS OF THE CORPUS CALLOSUM; HMSN/ACC; CHARLEVOIX DISEASE. Identifiers: Orphanet 1496, MedGen C0795950, MONDO:0000902, OMIM 218000. Disease mechanism: loss of function.

Allele frequency attached by ClinVar (database versions not stated): TOPMed below 0.00001; gnomAD 0.00001; gnomAD exomes 0.00001; ExAC 0.00002.
gnomAD v4.1: 9 of 1,609,900 alleles (0.00056%); highest among the groups gnomAD compares: East Asian, 0.0022%; no homozygotes.

Submissions (8):

Natera, Inc.
Classification: Likely pathogenic for Andermann syndrome. Last evaluated: 2024-07-10. Review status: criteria provided, single submitter. Criteria: Natera Variant Classification Schema (03/2026). Collection method: clinical testing. Allele origin: germline.
Comment: The c.619C>T variant in SLC12A6 is a missense variant predicted to cause substitution of arginine to cysteine at amino acid 207. This variant is rare in the general population with a frequency below the threshold expected for the associated phenotype(s). This variant has been observed in one or more individuals affected with the associated recessive disease, as either homozygous or compound heterozygous with a second variant (PMID: 16606917, 32709422). Functional studies show that this variant may disrupt protein function (PMID: 21628467). Computational prediction algorithms indicate this variant is likely to affect gene or protein function. Given the available evidence, this variant is classified as Likely Pathogenic.

Baylor Genetics
Classification: Likely pathogenic for Agenesis of the corpus callosum with peripheral neuropathy. Last evaluated: 2023-09-01. Review status: criteria provided, single submitter. Criteria: ACMG Guidelines, 2015. Collection method: clinical testing. Allele origin: unknown.

Labcorp Genetics (formerly Invitae), Labcorp
Classification: Uncertain significance. Last evaluated: 2022-08-23. Review status: criteria provided, single submitter. Criteria: Invitae Variant Classification Sherloc (09022015). Collection method: clinical testing. Allele origin: germline.
Comment: This sequence change replaces arginine, which is basic and polar, with cysteine, which is neutral and slightly polar, at codon 207 of the SLC12A6 protein (p.Arg207Cys). This variant is present in population databases (rs121908429, gnomAD 0.006%). This missense change has been observed in individual(s) with agenesis of the corpus callosum with peripheral neuropathy (PMID: 16606917). ClinVar contains an entry for this variant (Variation ID: 5331). Advanced modeling of protein sequence and biophysical properties (such as structural, functional, and spatial information, amino acid conservation, physicochemical variation, residue mobility, and thermodynamic stability) performed at Invitae indicates that this missense variant is expected to disrupt SLC12A6 protein function. Experimental studies have shown that this missense change affects SLC12A6 function (PMID: 21628467). In summary, the available evidence is currently insufficient to determine the role of this variant in disease. Therefore, it has been classified as a Variant of Uncertain Significance.

Illumina Laboratory Services, Illumina
Classification: Likely pathogenic for Agenesis of the corpus callosum with peripheral neuropathy. Last evaluated: 2021-12-10. Review status: criteria provided, single submitter. Criteria: ICSLVariantClassificationCriteria RUGD 01 April 2020. Collection method: clinical testing. Allele origin: unknown.
Comment: The SLC12A6 c.619C>T (p.Arg207Cys) missense variant results in the substitution of arginine at amino acid position 207 with cysteine. This variant has been reported in a homozygous state in one individual presenting with complete agenesis of the corpus callosum, demyelinating neuropathy, dysmorphism and psychomotor retardation (Uyanik et al. 2006). This variant is reported in the Genome Aggregation Database in one allele at a frequency of 0.000054 in the East Asian population (version 2.1.1). A different missense change at the same position, c.620G>A (p.Arg207His), has been noted in two individuals affected with early-onset progressive sensorimotor neuropathy in a heterozygous state and of de novo origin (Park et al. 2020). The Arg207Cys variant protein when expressed in Xenopus oocytes showed significantly reduced K+ influx compared to wild-type, suggestive of impaired potassium-chloride transport (Salin-Cantegrel et al. 2011; Park et al. 2020). Further, the Arg207Cys protein was mislocalized to the perinucleus instead of the plasma membrane in HeLa and PC12 cells (Salin-Cantegrel et al. 2011). Based on the available evidence, the c.619C>T (p.Arg207Cys) variant is classified as likely pathogenic for agenesis of the corpus callosum with peripheral neuropathy.

Genome-Nilou Lab
Classification: Likely pathogenic for Agenesis of the corpus callosum with peripheral neuropathy. Last evaluated: 2021-07-15. Review status: criteria provided, single submitter. Criteria: ACMG Guidelines, 2015. Collection method: clinical testing. Allele origin: germline. Affected: no.

Center for Molecular Medicine, Children’s Hospital of Fudan University
Classification: Pathogenic for Agenesis of the corpus callosum with peripheral neuropathy. Last evaluated: 2022-02-08. Review status: no assertion criteria provided. Collection method: clinical testing. Allele origin: unknown. Affected: yes. Not counted in ClinVar's aggregate classification.

OMIM
Classification: Pathogenic for AGENESIS OF THE CORPUS CALLOSUM WITH PERIPHERAL NEUROPATHY. Last evaluated: 2011-08-12. Review status: no assertion criteria provided. Collection method: literature only. Allele origin: germline. Not counted in ClinVar's aggregate classification.

Inherited Neuropathy Consortium
Classification: Uncertain significance for Charcot-Marie-Tooth disease. Review status: no assertion criteria provided. Collection method: literature only. Allele origin: germline. Affected: yes. Not counted in ClinVar's aggregate classification.

Literature cited by the submitters: PubMed 16606917 (cited by 5 submitters); PubMed 32709422 (cited by Natera, Inc.); PubMed 21628467 (cited by 4 submitters); PubMed 31439721 (cited by Illumina Laboratory Services, Illumina); PubMed 1660691 (cited by Center for Molecular Medicine, Children’s Hospital of Fudan University).

NM_001365088.1(SLC12A6):c.619C>T (p.Arg207Cys)

Genes: SLC12A6 (solute carrier family 12 member 6; minus strand), LOC129390683 (MPRA-validated peak2292 silencer; plus strand). Cytogenetic location: 15q14.
Variant type: single nucleotide variant.
Coding change: c.619C>T on transcript NM_001365088.1 (MANE Select); coding-DNA position 619, C replaced by T.
Protein change: p.Arg207Cys; replaces arginine 207 with cysteine.
Molecular consequence: missense variant.
Genome position (GRCh38, 1-based): chr15:34,257,713, G>A on the plus strand (C>T on the coding strand, the complement: SLC12A6 is on the minus strand). VCF-style: chr15-34257713-G-A. GRCh37 (hg19) VCF-style: chr15-34549914-G-A.
Other names: c.442C>T, p.Arg148Cys (NM_001042494.2, NM_001042495.2); c.592C>T, p.Arg198Cys (NM_001042496.2); c.574C>T, p.Arg192Cys (NM_001042497.2); c.466C>T, p.Arg156Cys (NM_005135.2); c.619C>T, p.Arg207Cys (NM_133647.2); short protein forms R207C, R156C, R192C, R198C, R148C.
Identifiers: ClinVar variation 5331 (VCV000005331.15), dbSNP rs121908429, ClinGen allele CA253467.
Genomic context (GRCh38, chr15:34,257,713, plus strand): 5'-AGATAAGGACAATTGCAAAAGCCTGAAGAACTCCAGCTGTGCCCACCACCCATGTAAGGC[G>A]TAAAAAAAGGATCACTCCAAAAATATTTTGTAGACATGGGAGGTAGACACCCATGAAGGT-3'
Protein context (NP_001352017.1, residues 197-217): QNIFGVILFL[Arg207Cys]LTWVVGTAGV